The following is an entry in ClinVar:

ClinVar aggregate classification (germline): Uncertain significance. Review status: criteria provided, multiple submitters, no conflicts (2 of 4 stars). 2 submissions from 2 submitters: Uncertain significance (2). Last evaluated 2025-12-18.

Conditions:
Luscan-Lumish syndrome. Identifiers: Orphanet 597738, MedGen C4085873, MONDO:0014791, OMIM 616831.
Inborn genetic diseases. Identifiers: MedGen C0950123, MeSH D030342.

Submissions (2):

Labcorp Genetics (formerly Invitae), Labcorp
Classification: Uncertain significance for Luscan-Lumish syndrome. Last evaluated: 2025-12-18. Review status: criteria provided, single submitter. Criteria: Invitae Variant Classification Sherloc (09022015). Collection method: clinical testing. Allele origin: germline.
Comment: This sequence change replaces aspartic acid, which is acidic and polar, with glycine, which is neutral and non-polar, at codon 111 of the SETD2 protein (p.Asp111Gly). This variant is not present in population databases (gnomAD no frequency). This variant has not been reported in the literature in individuals affected with SETD2-related conditions. Invitae Evidence Modeling of protein sequence and biophysical properties (such as structural, functional, and spatial information, amino acid conservation, physicochemical variation, residue mobility, and thermodynamic stability) indicates that this missense variant is not expected to disrupt SETD2 protein function with a negative predictive value of 80%. Algorithms developed to predict the effect of sequence changes on RNA splicing suggest that this variant may create or strengthen a splice site. In summary, the available evidence is currently insufficient to determine the role of this variant in disease. Therefore, it has been classified as a Variant of Uncertain Significance.

Ambry Genetics
Classification: Uncertain significance for Inborn genetic diseases. Last evaluated: 2025-09-29. Review status: criteria provided, single submitter. Criteria: Ambry Variant Classification Scheme 2023. Collection method: clinical testing. Allele origin: germline.

NM_014159.7(SETD2):c.332A>G (p.Asp111Gly)

Gene: SETD2 (SET domain containing 2, histone lysine methyltransferase; minus strand). Cytogenetic location: 3p21.31.
Variant type: single nucleotide variant.
Coding change: c.332A>G on transcript NM_014159.7 (MANE Select); coding-DNA position 332, A replaced by G.
Protein change: p.Asp111Gly; replaces aspartic acid 111 with glycine.
Molecular consequence: missense variant. On other transcripts: non-coding transcript variant (1).
Genome position (GRCh38, 1-based): chr3:47,124,304, T>C on the plus strand (A>G on the coding strand, the complement: SETD2 is on the minus strand). VCF-style: chr3-47124304-T-C. GRCh37 (hg19) VCF-style: chr3-47165794-T-C.
Other names: c.200A>G, p.Asp67Gly (NM_001349370.3); short protein forms D111G, D67G.
Identifiers: ClinVar variation 4630604 (VCV004630604.2).
Genomic context (GRCh38, chr3:47,124,304, plus strand): 5'-GAAGATTCTTCTGCAGTAGATAAGGTATCACCAATTTCCATTTTCATTTTAGGAGTCGAG[T>C]CTACCTGAAGAGGTACAGCTGGAGGGTTTGGAGTATCACTTTGCTTTTCATTGCCAAGTG-3'
Protein context (NP_054878.5, residues 101-121): PNPPAVPLQV[Asp111Gly]STPKMKMEIG